The following is an entry in ClinVar:

NM_024675.4(PALB2):c.212-16T>C

Gene: PALB2 (partner and localizer of BRCA2; minus strand). Cytogenetic location: 16p12.2.
Variant type: single nucleotide variant.
Coding change: c.212-16T>C on transcript NM_024675.4 (MANE Select); 16 bases into the intron before coding-DNA position 212, T replaced by C.
Molecular consequence: intron variant.
Genome position (GRCh38, 1-based): chr16:23,636,350, A>G on the plus strand (T>C on the coding strand, the complement: PALB2 is on the minus strand). VCF-style: chr16-23636350-A-G. GRCh37 (hg19) VCF-style: chr16-23647671-A-G.
Other names: c.-674-16T>C (NM_001407308.1, NM_001407306.1, NM_001407307.1 and 5 more transcripts); c.48+4760T>C (NM_001407314.1); c.-105+4760T>C (NM_001407313.1, NM_001407312.1); c.152-16T>C (NM_001407296.1); c.212-16T>C (NM_001407297.1, NM_001407302.1, NM_001407298.1 and 3 more transcripts).
Identifiers: ClinVar variation 3903479 (VCV003903479.1).

ClinVar aggregate classification (germline): Likely benign (1 of 4 stars; one submission).

Conditions:
Familial cancer of breast. Also called: Hereditary breast cancer; hereditary breast carcinoma; BREAST CANCER, FAMILIAL. Identifiers: Orphanet 227535, MedGen C0346153, MONDO:0016419, OMIM 114480. Disease mechanism: loss of function.

Submission:

Myriad Genetics, Inc.
Classification: Likely benign for Familial cancer of breast. Last evaluated: 2025-01-10. Review status: criteria provided, single submitter. Criteria: Myriad Autosomal Dominant, Autosomal Recessive and X-Linked Classification Criteria (2023). Collection method: clinical testing. Allele origin: unknown.
Comment: This variant is considered likely benign. This variant is intronic and is not expected to impact mRNA splicing.